The following is an entry in ClinVar:

NM_000313.4(PROS1):c.1239_1246del (p.Phe414fs)

Gene: PROS1 (protein S; minus strand). Cytogenetic location: 3q11.1.
Variant type: Deletion.
Coding change: c.1239_1246del on transcript NM_000313.4 (MANE Select); coding-DNA positions 1239 to 1246, 8 bases deleted (TTTTAAGC; older notation c.1239_1246delTTTTAAGC).
Protein change: p.Phe414fs; shifts the reading frame from phenylalanine 414.
Molecular consequence: frameshift variant.
Genome position (GRCh38, 1-based): chr3:93,886,413-93,886,420, GCTTAAAA deleted on the plus strand (TTTTAAGC on the coding strand, the reverse complement: PROS1 is on the minus strand). VCF-style (leftmost placement, unchanged base first): chr3-93886412-GGCTTAAAA-G. GRCh37 (hg19) VCF-style: chr3-93605256-GGCTTAAAA-G.
Other names: c.1335_1342del, p.Phe446fs (NM_001314077.2); short protein forms F446fs, F414fs.
Identifiers: ClinVar variation 4722938 (VCV004722938.1).
Genomic context (GRCh38, chr3:93,886,412, plus strand): 5'-CTTTCCACTTTCCGAGGGAATCCTGCAAAGTATACTTTGGTTTCCAGCAATCCATTTTCC[GGCTTAAAA>G]AGGGGTCCAGGTTTATTTATATCCATCACAGCTTCTTTAGCTATTTTAATGCTAATACTA-3'

ClinVar aggregate classification (germline): Pathogenic (1 of 4 stars; one submission).

Conditions:
Thrombophilia due to protein S deficiency, autosomal recessive (THPH6). Identifiers: Orphanet 743, MedGen C3281092, MONDO:0013791, OMIM 614514. Disease mechanism: loss of function.

Submission:

Labcorp Genetics (formerly Invitae), Labcorp
Classification: Pathogenic for Thrombophilia due to protein S deficiency, autosomal recessive. Last evaluated: 2025-07-09. Review status: criteria provided, single submitter. Criteria: Invitae Variant Classification Sherloc (09022015). Collection method: clinical testing. Allele origin: germline.
Comment: This sequence change creates a premature translational stop signal (p.Phe414Glyfs*21) in the PROS1 gene. It is expected to result in an absent or disrupted protein product. Loss-of-function variants in PROS1 are known to be pathogenic (PMID: 9241758). This variant is not present in population databases (gnomAD no frequency). This variant has not been reported in the literature in individuals affected with PROS1-related conditions. For these reasons, this variant has been classified as Pathogenic.

Literature cited by the submitters: PubMed 9241758.